The following is an entry in ClinVar:

ClinVar aggregate classification (germline): Uncertain significance (1 of 4 stars; one submission).

Conditions:
Deficiency of butyryl-CoA dehydrogenase (ACADSD). Also called: SCADH DEFICIENCY; SCAD DEFICIENCY, MILD; ACYL-CoA DEHYDROGENASE, SHORT-CHAIN, DEFICIENCY OF; ACADS DEFICIENCY; Short-Chain Acyl-CoA Dehydrogenase Deficiency; SCAD Deficiency. Identifiers: Orphanet 26792, MedGen C0342783, MONDO:0008722, OMIM 201470. Disease mechanism: May be benign.

Allele frequency attached by ClinVar (database versions not stated): gnomAD exomes below 0.00001; TOPMed below 0.00001.
gnomAD v4.1: 1 of 1,614,104 alleles (0.000062%); highest among the groups gnomAD compares: African/African-American, 0.0013%; no homozygotes.

Submission:

Labcorp Genetics (formerly Invitae), Labcorp
Classification: Uncertain significance for Deficiency of butyryl-CoA dehydrogenase. Last evaluated: 2021-01-14. Review status: criteria provided, single submitter. Criteria: Invitae Variant Classification Sherloc (09022015). Collection method: clinical testing. Allele origin: germline.
Comment: This sequence change replaces isoleucine with threonine at codon 127 of the ACADS protein (p.Ile127Thr). The isoleucine residue is highly conserved and there is a moderate physicochemical difference between isoleucine and threonine. This variant is not present in population databases (ExAC no frequency). This variant has been observed in individual(s) with clinical features of short-chain acyl-coenzyme A dehydrogenase deficiency (Invitae). ClinVar contains an entry for this variant (Variation ID: 460387). Advanced modeling of protein sequence and biophysical properties (such as structural, functional, and spatial information, amino acid conservation, physicochemical variation, residue mobility, and thermodynamic stability) performed at Invitae indicates that this missense variant is expected to disrupt ACADS protein function. In summary, the available evidence is currently insufficient to determine the role of this variant in disease. Therefore, it has been classified as a Variant of Uncertain Significance.

NM_000017.4(ACADS):c.380T>C (p.Ile127Thr)

Gene: ACADS (acyl-CoA dehydrogenase short chain; plus strand). Cytogenetic location: 12q24.31.
Variant type: single nucleotide variant.
Coding change: c.380T>C on transcript NM_000017.4 (MANE Select); coding-DNA position 380, T replaced by C.
Protein change: p.Ile127Thr; replaces isoleucine 127 with threonine.
Molecular consequence: missense variant.
Genome position (GRCh38, 1-based): chr12:120,737,375, T>C. VCF-style: chr12-120737375-T-C. GRCh37 (hg19) VCF-style: chr12-121175178-T-C.
Other names: c.380T>C, p.Ile127Thr (NM_001302554.2); short protein forms I127T.
Identifiers: ClinVar variation 460387 (VCV000460387.8), dbSNP rs1555243949, ClinGen allele CA386614278.